The following is an entry in ClinVar:

NM_005188.4(CBL):c.1424G>T (p.Gly475Val)

Gene: CBL (Cbl proto-oncogene; plus strand). Cytogenetic location: 11q23.3.
Variant type: single nucleotide variant.
Coding change: c.1424G>T on transcript NM_005188.4 (MANE Select); coding-DNA position 1424, G replaced by T.
Protein change: p.Gly475Val; replaces glycine 475 with valine.
Molecular consequence: missense variant.
Genome position (GRCh38, 1-based): chr11:119,278,706, G>T. VCF-style: chr11-119278706-G-T. GRCh37 (hg19) VCF-style: chr11-119149416-G-T.
Other names: short protein forms G475V.
Identifiers: ClinVar variation 1511473 (VCV001511473.6), dbSNP rs200054267, ClinGen allele CA6318513.

ClinVar aggregate classification (germline): Uncertain significance (1 of 4 stars; one submission).

Conditions:
RASopathy. Also called: Noonan spectrum disorder; rasopathies. Identifiers: Orphanet 536391, MedGen C5555857, MONDO:0021060.

Allele frequency attached by ClinVar (database versions not stated): gnomAD 0.00001; TOPMed 0.00002.
gnomAD v4.1: 29 of 1,613,872 alleles (0.0018%); highest among the groups gnomAD compares: Non-Finnish European, 0.0024%; no homozygotes.

Submission:

Labcorp Genetics (formerly Invitae), Labcorp
Classification: Uncertain significance for RASopathy. Last evaluated: 2025-10-08. Review status: criteria provided, single submitter. Criteria: Invitae Variant Classification Sherloc (09022015). Collection method: clinical testing. Allele origin: germline.
Comment: This sequence change replaces glycine, which is neutral and non-polar, with valine, which is neutral and non-polar, at codon 475 of the CBL protein (p.Gly475Val). This variant is present in population databases (rs200054267, gnomAD 0.002%). This variant has not been reported in the literature in individuals affected with CBL-related conditions. ClinVar contains an entry for this variant (Variation ID: 1511473). Invitae Evidence Modeling of protein sequence and biophysical properties (such as structural, functional, and spatial information, amino acid conservation, physicochemical variation, residue mobility, and thermodynamic stability) indicates that this missense variant is not expected to disrupt CBL protein function with a negative predictive value of 95%. In summary, the available evidence is currently insufficient to determine the role of this variant in disease. Therefore, it has been classified as a Variant of Uncertain Significance.